The following is an entry in ClinVar:

NM_002474.3(MYH11):c.1108G>T (p.Ala370Ser)

Gene: MYH11 (myosin heavy chain 11; minus strand). Cytogenetic location: 16p13.11.
Variant type: single nucleotide variant.
Coding change: c.1108G>T on transcript NM_002474.3 (MANE Select); coding-DNA position 1108, G replaced by T.
Protein change: p.Ala370Ser; replaces alanine 370 with serine.
Molecular consequence: missense variant.
Genome position (GRCh38, 1-based): chr16:15,763,817, C>A on the plus strand (G>T on the coding strand, the complement: MYH11 is on the minus strand). VCF-style: chr16-15763817-C-A. GRCh37 (hg19) VCF-style: chr16-15857674-C-A.
Other names: c.1129G>T, p.Ala377Ser (NM_001040113.2, NM_001040114.2); c.1108G>T, p.Ala370Ser (NM_022844.3); short protein forms A370S, A377S.
Identifiers: ClinVar variation 3075221 (VCV003075221.1), dbSNP rs2506444872, ClinGen allele CA394865248.

ClinVar aggregate classification (germline): Uncertain significance (1 of 4 stars; one submission).

Conditions:
Familial thoracic aortic aneurysm and aortic dissection (TAAD). Also called: Thoracic aortic aneurysms and dissections. Identifiers: Orphanet 91387, MedGen C4707243, MONDO:0019625.

Submission:

All of Us Research Program, National Institutes of Health
Classification: Uncertain significance for Familial thoracic aortic aneurysm and aortic dissection. Last evaluated: 2024-01-11. Review status: criteria provided, single submitter. Criteria: ACMG Guidelines, 2015. Collection method: clinical testing. Allele origin: germline. Inheritance: Autosomal dominant inheritance. Observed: 1 variant allele, 1 heterozygote.
Comment: This study involves interpretation of variants in research participants for the purpose of population health screening. Participant phenotype was not available at the time of variant classification. Additional details can be found in publication PMID: 35346344, PMCID: PMC8962531